The following is an entry in ClinVar:

NM_017780.4(CHD7):c.3344G>A (p.Cys1115Tyr)

Gene: CHD7 (chromodomain helicase DNA binding protein 7; plus strand). Cytogenetic location: 8q12.2.
Variant type: single nucleotide variant.
Coding change: c.3344G>A on transcript NM_017780.4 (MANE Select); coding-DNA position 3344, G replaced by A.
Protein change: p.Cys1115Tyr; replaces cysteine 1115 with tyrosine.
Molecular consequence: missense variant. On other transcripts: intron variant (1).
Genome position (GRCh38, 1-based): chr8:60,823,982, G>A. VCF-style: chr8-60823982-G-A. GRCh37 (hg19) VCF-style: chr8-61736541-G-A.
Other names: c.1717-38247G>A (NM_001316690.1); short protein forms C1115Y.
Identifiers: ClinVar variation 588616 (VCV000588616.6), dbSNP rs1563632581, ClinGen allele CA371312565.
Genomic context (GRCh38, chr8:60,823,982, plus strand): 5'-GGAATATTCCATGGCGCTGTGTAGTCATTGATGAAGCCCACAGGCTGAAGAACAGGAACT[G>A]CAAGCTGTTGGAGGGACTCAAGATGATGGACTTGGTCAGTGACCATATTGGTGATTGCAC-3'
Protein context (NP_060250.2, residues 1105-1125): DEAHRLKNRN[Cys1115Tyr]KLLEGLKMMD

ClinVar aggregate classification (germline): Uncertain significance. Review status: criteria provided, multiple submitters, no conflicts (2 of 4 stars). 2 submissions from 2 submitters: Uncertain significance (2). Last evaluated 2024-02-12.

Conditions:
Inborn genetic diseases. Identifiers: MedGen C0950123, MeSH D030342.

Submissions (2):

Blueprint Genetics
Classification: Uncertain significance. Last evaluated: 2024-02-12. Review status: criteria provided, single submitter. Criteria: ACMG Guidelines, 2015. Collection method: clinical testing. Allele origin: germline.

Ambry Genetics
Classification: Uncertain significance for Inborn genetic diseases. Last evaluated: 2016-12-15. Review status: criteria provided, single submitter. Criteria: Ambry Variant Classification Scheme 2023. Collection method: clinical testing. Allele origin: germline.
Comment: The p.C1115Y variant (also known as c.3344G>A), located in coding exon 12 of the CHD7 gene, results from a G to A substitution at nucleotide position 3344. The cysteine at codon 1115 is replaced by tyrosine, an amino acid with highly dissimilar properties. This amino acid position is highly conserved in available vertebrate species. In addition, this alteration is predicted to be deleterious by in silico analysis. Since supporting evidence is limited at this time, the clinical significance of this alteration remains unclear.